The following is an entry in ClinVar:

NM_001458.5(FLNC):c.5697dup (p.Ser1900fs)

Genes: FLNC (filamin C; plus strand), FLNC-AS1 (FLNC antisense RNA 1; minus strand). Cytogenetic location: 7q32.1.
Variant type: Duplication.
Coding change: c.5697dup on transcript NM_001458.5 (MANE Select); coding-DNA position 5697, one base duplicated (A; older notation c.5697dupA).
Protein change: p.Ser1900fs; shifts the reading frame from serine 1900.
Molecular consequence: frameshift variant. On other transcripts: non-coding transcript variant (1).
Genome position (GRCh38, 1-based): chr7:128,851,483, A duplicated. VCF-style (leftmost placement, unchanged base first): chr7-128851482-C-CA. GRCh37 (hg19) VCF-style: chr7-128491536-C-CA.
Other names: c.5598dup, p.Ser1867fs (NM_001127487.2); c.5697dupA (NM_001458.4); short protein forms S1867fs, S1900fs.
Identifiers: ClinVar variation 539446 (VCV000539446.7), dbSNP rs1554400700, ClinGen allele CA658797015.
Genomic context (GRCh38, chr7:128,851,482, plus strand): 5'-GACCTCTGATCTTGGCCACACCTCCACCTACAGGGGGTCTGTCACTGGCCGTGGAGGGCC[C>CA]ATCCAAGGCAGAGATCACCTGTAAGGACAACAAGGATGGCACCTGCACCGTGTCCTATCT-3'

ClinVar aggregate classification (germline): Pathogenic (1 of 4 stars; one submission).

Conditions:
Distal myopathy with posterior leg and anterior hand involvement. Also called: WILLIAMS DISTAL MYOPATHY. Identifiers: Orphanet 63273, MedGen C3279722, MONDO:0013550, OMIM 614065.
Myofibrillar myopathy 5. Also called: Filaminopathy (type); FILAMINOPATHY, AUTOSOMAL DOMINANT. Identifiers: Orphanet 171445, MedGen C1836050, MONDO:0012289, OMIM 609524.
Hypertrophic cardiomyopathy 26. Also called: Cardiomyopathy, familial hypertrophic, 26. Identifiers: Orphanet 75249, MedGen C4310749, MONDO:0014883, OMIM 617047.

Submission:

Labcorp Genetics (formerly Invitae), Labcorp
Classification: Pathogenic for Distal myopathy with posterior leg and anterior hand involvement; Myofibrillar myopathy 5; Hypertrophic cardiomyopathy 26. Last evaluated: 2017-09-12. Review status: criteria provided, single submitter. Criteria: Invitae Variant Classification Sherloc (09022015). Collection method: clinical testing. Allele origin: germline.
Comment: This sequence change creates a premature translational stop signal (p.Ser1900Ilefs*8) in the FLNC gene. It is expected to result in an absent or disrupted protein product. For these reasons, this variant has been classified as Pathogenic. Loss-of-function variants in FLNC are known to be pathogenic (PMID: 27908349). This variant has not been reported in the literature in individuals with FLNC-related disease. This variant is not present in population databases (ExAC no frequency).

Literature cited by the submitters: PubMed 27908349.